The following is an entry in ClinVar:

ClinVar aggregate classification (germline): Conflicting classifications of pathogenicity. Review status: criteria provided, conflicting classifications (1 of 4 stars). 7 submissions from 7 submitters: Uncertain significance (5); Likely benign (1). 1 of the submissions does not count toward it. Last evaluated 2026-07-21.

Conditions:
Cardiovascular phenotype. Identifiers: MedGen CN230736.
Alstrom syndrome (ALMS). Identifiers: Orphanet 64, MedGen C0268425, MONDO:0008763, OMIM 203800.

Allele frequency attached by ClinVar (database versions not stated): TOPMed 0.00045; gnomAD 0.00051; ESP Exome Variant Server 0.00074; 1000 Genomes Project 0.00100; 1000 Genomes Project 30x 0.00125.
gnomAD v4.1: 190 of 1,614,040 alleles (0.012%); highest among the groups gnomAD compares: African/African-American, 0.17%; no homozygotes.

Submissions (7):

GeneDx
Classification: Uncertain significance. Last evaluated: 2026-07-21. Review status: criteria provided, single submitter. Criteria: GeneDx Variant Classification Process June 2021. Collection method: clinical testing. Allele origin: germline.
Comment: In silico analysis suggests that this missense variant does not alter protein structure/function; Has not been previously published as pathogenic or benign to our knowledge

Blueprint Genetics
Classification: Uncertain significance. Last evaluated: 2024-10-04. Review status: criteria provided, single submitter. Criteria: ACMG Guidelines, 2015. Collection method: clinical testing. Allele origin: germline.

Women's Health and Genetics/Laboratory Corporation of America, LabCorp
Classification: Uncertain significance. Last evaluated: 2023-07-10. Review status: criteria provided, single submitter. Criteria: LabCorp Variant Classification Summary - May 2015. Collection method: clinical testing. Allele origin: germline.
Comment: Variant summary: ALMS1 c.10771A>G (p.Thr3591Ala) results in a non-conservative amino acid change in the encoded protein sequence. Four of five in-silico tools predict a benign effect of the variant on protein function. The variant allele was found at a frequency of 0.00011 in 248704 control chromosomes, predominantly at a frequency of 0.0012 within the African or African-American subpopulation in the gnomAD database. This frequency is only slight lower than expected for a pathogenic variant in ALMS1 causing Alstrom Syndrome (0.0012 vs 0.0014), suggesting this variant may not associate with the disease. To our knowledge, no occurrence of c.10771A>G in individuals affected with Alstrom Syndrome and no experimental evidence demonstrating its impact on protein function have been reported. Co-occurrences with other pathogenic variants have been reported (MYBPC3 c.1505G>A, p.Arg502Gln; TTN c.62134C>T, p.Gln20712X; MYBPC3 c.927-9G>A; internal testing), providing supporting evidence for a benign role. Five submitters have cited clinical-significance assessments for this variant to ClinVar after 2014, classifying the variant as likely benign (n=2) or uncertain significance (n=3). Based on the evidence outlined above, the variant was classified as VUS-possibly benign.

Labcorp Genetics (formerly Invitae), Labcorp
Classification: Uncertain significance for Alstrom syndrome. Last evaluated: 2022-11-01. Review status: criteria provided, single submitter. Criteria: Invitae Variant Classification Sherloc (09022015). Collection method: clinical testing. Allele origin: germline.
Comment: This sequence change replaces threonine, which is neutral and polar, with alanine, which is neutral and non-polar, at codon 3593 of the ALMS1 protein (p.Thr3593Ala). This variant is present in population databases (rs200467041, gnomAD 0.1%). This variant has not been reported in the literature in individuals affected with ALMS1-related conditions. ClinVar contains an entry for this variant (Variation ID: 449854). Algorithms developed to predict the effect of missense changes on protein structure and function output the following: SIFT: "Not Available"; PolyPhen-2: "Not Available"; Align-GVGD: "Not Available". The alanine amino acid residue is found in multiple mammalian species, which suggests that this missense change does not adversely affect protein function. In summary, the available evidence is currently insufficient to determine the role of this variant in disease. Therefore, it has been classified as a Variant of Uncertain Significance.

Fulgent Genetics
Classification: Uncertain significance for Alstrom syndrome. Last evaluated: 2022-03-18. Review status: criteria provided, single submitter. Criteria: ACMG Guidelines, 2015. Collection method: clinical testing. Allele origin: unknown.

Ambry Genetics
Classification: Likely benign for Cardiovascular phenotype. Last evaluated: 2021-10-25. Review status: criteria provided, single submitter. Criteria: Ambry Variant Classification Scheme 2023. Collection method: clinical testing. Allele origin: germline.

Natera, Inc.
Classification: Likely benign for Alstrom syndrome. Last evaluated: 2019-10-28. Review status: no assertion criteria provided. Collection method: clinical testing. Allele origin: germline. Not counted in ClinVar's aggregate classification.

NM_001378454.1(ALMS1):c.10774A>G (p.Thr3592Ala)

Gene: ALMS1 (ALMS1 centrosome and basal body associated protein; plus strand). Cytogenetic location: 2p13.1.
Variant type: single nucleotide variant.
Coding change: c.10774A>G on transcript NM_001378454.1 (MANE Select); coding-DNA position 10774, A replaced by G.
Protein change: p.Thr3592Ala; replaces threonine 3592 with alanine.
Molecular consequence: missense variant.
Genome position (GRCh38, 1-based): chr2:73,572,651, A>G. VCF-style: chr2-73572651-A-G. GRCh37 (hg19) VCF-style: chr2-73799778-A-G.
Other names: c.10777A>G, p.Thr3593Ala (NM_015120.4); short protein forms T3593A, T3592A.
Identifiers: ClinVar variation 449854 (VCV000449854.23), dbSNP rs200467041, ClinGen allele CA1715057.